The following is an entry in ClinVar:

NM_000123.4(ERCC5):c.72G>C (p.Gly24=)

Genes: BIVM-ERCC5 (BIVM-ERCC5 readthrough; plus strand), ERCC5 (ERCC excision repair 5, endonuclease; plus strand). Cytogenetic location: 13q33.1.
Variant type: single nucleotide variant.
Coding change: c.72G>C on transcript NM_000123.4 (MANE Select); coding-DNA position 72, G replaced by C.
Protein change: p.Gly24=; no amino-acid change (glycine 24 retained).
Molecular consequence: synonymous variant. On other transcripts: intron variant (1).
Genome position (GRCh38, 1-based): chr13:102,846,338, G>C. VCF-style: chr13-102846338-G-C. GRCh37 (hg19) VCF-style: chr13-103498688-G-C.
Other names: c.1451-5780G>C (NM_001204425.2).
Identifiers: ClinVar variation 4998189 (VCV004998189.1).

ClinVar aggregate classification (germline): Uncertain significance (1 of 4 stars; one submission).

Conditions:
ERCC5-related disorder. Also called: ERCC5-related condition.

gnomAD v4.1: 1 of 1,614,118 alleles (0.000062%); highest among the groups gnomAD compares: Middle Eastern, 0.017%; no homozygotes.

Submission:

PreventionGenetics, part of Exact Sciences
Classification: Uncertain significance for ERCC5-related condition. Last evaluated: 2025-07-29. Review status: criteria provided, single submitter. Criteria: ACMG Guidelines, 2015. Collection method: clinical testing. Allele origin: germline.
Comment: The ERCC5 c.72G>C variant is not predicted to result in an amino acid change (p.=). To our knowledge, this variant has not been reported in the literature or in a large population database (gnomAD), indicating this variant is rare. At the time of reporting, this variant was not present in ClinVar. At this time, the clinical significance of this variant is uncertain due to the absence of conclusive functional and genetic evidence.